The following is an entry in ClinVar:

ClinVar aggregate classification (germline): Likely pathogenic. Review status: criteria provided, multiple submitters, no conflicts (2 of 4 stars). 3 submissions from 3 submitters: Likely pathogenic (3). Last evaluated 2025-09-07.

Conditions:
Autosomal recessive limb-girdle muscular dystrophy type 2J (LGMDR10). Also called: MUSCULAR DYSTROPHY, LIMB-GIRDLE, AUTOSOMAL RECESSIVE 10; Limb-girdle muscular dystrophy, type 2J. Identifiers: Orphanet 140922, MedGen C1837342, MONDO:0012127, OMIM 608807.
Dilated cardiomyopathy 1G (CMD1G). Identifiers: Orphanet 154, MedGen C1858763, MONDO:0011400, OMIM 604145.
Myopathy, myofibrillar, 9, with early respiratory failure (MFM9). Also called: Myopathy, distal, with early respiratory failure, autosomal dominant; Hereditary myopathy with early respiratory failure; EDSTROM MYOPATHY; MYOPATHY, PROXIMAL, WITH EARLY RESPIRATORY MUSCLE INVOLVEMENT. Identifiers: Orphanet 178464, Orphanet 34521, MedGen C1863599, MONDO:0011362, OMIM 603689.
Tibial muscular dystrophy (TMD). Also called: UDD MYOPATHY; Tibial muscular dystrophy, tardive; Udd Distal Myopathy – Tibial Muscular Dystrophy. Identifiers: Orphanet 609, MedGen C1838244, MONDO:0010870, OMIM 600334.
Early-onset myopathy with fatal cardiomyopathy (CMYO5). Also called: Salih Myopathy; CONGENITAL MYOPATHY 5 WITH CARDIOMYOPATHY. Identifiers: Orphanet 289377, MedGen C2673677, MONDO:0012714, OMIM 611705. Disease mechanism: loss of function.
Hypertrophic cardiomyopathy 9. Also called: Familial hypertrophic cardiomyopathy 9. Identifiers: MedGen C1861065, MONDO:0013412, OMIM 613765.

Allele frequency attached by ClinVar (database versions not stated): gnomAD exomes below 0.00001.
gnomAD v4.1: 1 of 1,612,000 alleles (0.000062%); highest among the groups gnomAD compares: Non-Finnish European, 0.000085%; no homozygotes.

Submissions (3):

Variantyx, Inc.
Classification: Likely pathogenic for Dilated cardiomyopathy 1G. Last evaluated: 2025-09-07. Review status: criteria provided, single submitter. Criteria: Variantyx Assertion Criteria 2022. Collection method: clinical testing. Allele origin: germline. Inheritance: Autosomal dominant inheritance. Affected: yes.
Comment: This is a nonsense variant in the TTN gene (OMIM: 188840). Pathogenic variants in this gene have been associated with autosomal dominant dilated cardiomyopathy 1G. This variant introduces a premature termination codon in exon 335 out of 363 and is expected to result in loss of function, which is a known disease mechanism for TTN in this disorder (PMID: 27869827, 33226272) (PVS1). Truncating variants in the A-band region of this gene are significantly overrepresented in individuals affected with dilated cardiomyopathy (PMID: 25589632). This variant has a 0.0001% maximum allele frequency in non-founder control populations (PM2). Based on the current evidence, this variant is classified as likely pathogenic for autosomal dominant dilated cardiomyopathy 1G.

Fulgent Genetics
Classification: Likely pathogenic for Tibial muscular dystrophy; Myopathy, myofibrillar, 9, with early respiratory failure; Dilated cardiomyopathy 1G; Autosomal recessive limb-girdle muscular dystrophy type 2J; Early-onset myopathy with fatal cardiomyopathy; Hypertrophic cardiomyopathy 9. Last evaluated: 2021-10-16. Review status: criteria provided, single submitter. Criteria: ACMG Guidelines, 2015. Collection method: clinical testing. Allele origin: unknown.

Labcorp Genetics (formerly Invitae), Labcorp
Classification: Likely pathogenic for Dilated cardiomyopathy 1G; Autosomal recessive limb-girdle muscular dystrophy type 2J. Last evaluated: 2017-04-06. Review status: criteria provided, single submitter. Criteria: Invitae Variant Classification Sherloc (09022015). Collection method: clinical testing. Allele origin: germline.
Comment: For these reasons, this variant has been classified as Likely Pathogenic. This variant is found in the A-band of this gene. While this particular variant has not been reported in the literature, truncating variants in the A-band of TTN are significantly overrepresented in patients with dilated cardiomyopathy and are considered to be likely pathogenic for the disease (PMID: 25589632). This sequence change creates a premature translational stop signal at codon 29954 (p.Trp29954*) of the TTN gene. It is expected to result in an absent or disrupted protein product.

Literature cited by the submitters: PubMed 27869827 (cited by Variantyx, Inc.); PubMed 33226272 (cited by Variantyx, Inc.); PubMed 25589632 (cited by Variantyx, Inc. and Labcorp Genetics (formerly Invitae), Labcorp).

NM_001267550.2(TTN):c.89861G>A (p.Trp29954Ter)

Genes: TTN-AS1 (TTN antisense RNA 1; plus strand), TTN (titin; minus strand). Cytogenetic location: 2q31.2.
Variant type: single nucleotide variant.
Coding change: c.89861G>A on transcript NM_001267550.2 (MANE Select); coding-DNA position 89861, G replaced by A.
Protein change: p.Trp29954Ter; replaces tryptophan 29954 with a stop codon.
Molecular consequence: nonsense.
Genome position (GRCh38, 1-based): chr2:178,553,039, C>T on the plus strand (G>A on the coding strand, the complement: TTN is on the minus strand). VCF-style: chr2-178553039-C-T. GRCh37 (hg19) VCF-style: chr2-179417766-C-T.
Other names: c.84938G>A, p.Trp28313Ter (NM_001256850.1); c.62666G>A, p.Trp20889Ter (NM_003319.4); c.82157G>A, p.Trp27386Ter (NM_133378.4); c.63041G>A, p.Trp21014Ter (NM_133432.3); c.63242G>A, p.Trp21081Ter (NM_133437.4); short protein forms W29954*, W21014*, W28313*, W20889*, W21081*, W27386*.
Identifiers: ClinVar variation 404812 (VCV000404812.12), dbSNP rs1060500457, ClinGen allele CA16610236.
Genomic context (GRCh38, chr2:178,553,039, plus strand): 5'-TCTCTCTTTTCAATGACATAATTAATTATTGGAGATCCTCCATCAATGAGAGGAGGATCC[C>T]AGAGCAAAGTGACTGTGCCTCGAGAAACATGTTTAACCTGTAGTTTCTGGCAGGCAGCTG-3'